The following is an entry in ClinVar:

ClinVar aggregate classification (germline): Uncertain significance. Review status: criteria provided, multiple submitters, no conflicts (2 of 4 stars). 3 submissions from 3 submitters: Uncertain significance (3). Last evaluated 2023-06-26.

Conditions:
Cardiovascular phenotype. Identifiers: MedGen CN230736.
Charcot-Marie-Tooth disease type 2. Also called: Charcot-Marie-Tooth type 2. Identifiers: Orphanet 64746, MedGen C0270914, MONDO:0018993.
Primary dilated cardiomyopathy (DCM). Also called: Dilated Cardiomyopathy. Identifiers: Orphanet 217604, MedGen C0007193, MeSH D002311, MONDO:0005021, HP:0001644. Inheritance: Various modes of inheritance.

Allele frequency attached by ClinVar (database versions not stated): gnomAD exomes below 0.00001.
gnomAD v4.1: 1 of 1,611,562 alleles (0.000062%); highest among the groups gnomAD compares: Non-Finnish European, 0.000085%; no homozygotes.

Submissions (3):

All of Us Research Program, National Institutes of Health
Classification: Uncertain significance for Primary dilated cardiomyopathy. Last evaluated: 2023-06-26. Review status: criteria provided, single submitter. Criteria: ACMG Guidelines, 2015. Collection method: clinical testing. Allele origin: germline. Inheritance: Autosomal dominant inheritance. Observed: 1 variant allele, 1 heterozygote.
Comment: This missense variant replaces alanine with aspartic acid at codon 79 of the LMNA protein. Computational prediction is inconclusive regarding the impact of this variant on protein structure and function (internally defined REVEL score threshold 0.5 < inconclusive < 0.7, PMID: 27666373). To our knowledge, functional studies have not been reported for this variant. This variant has been reported in an individual affected with dilated cardiomyopathy (PMID: 30420677, 32880476). This variant has not been identified in the general population by the Genome Aggregation Database (gnomAD). The available evidence is insufficient to determine the role of this variant in disease conclusively. Therefore, this variant is classified as a Variant of Uncertain Significance.

This study involves interpretation of variants in research participants for the purpose of population health screening. Participant phenotype was not available at the time of variant classification. Additional details can be found in publication PMID: 35346344, PMCID: PMC8962531

Labcorp Genetics (formerly Invitae), Labcorp
Classification: Uncertain significance for Charcot-Marie-Tooth disease type 2. Last evaluated: 2021-07-20. Review status: criteria provided, single submitter. Criteria: Invitae Variant Classification Sherloc (09022015). Collection method: clinical testing. Allele origin: germline.
Comment: This sequence change replaces alanine with aspartic acid at codon 79 of the LMNA protein (p.Ala79Asp). The alanine residue is moderately conserved and there is a moderate physicochemical difference between alanine and aspartic acid. In summary, the available evidence is currently insufficient to determine the role of this variant in disease. Therefore, it has been classified as a Variant of Uncertain Significance. Algorithms developed to predict the effect of missense changes on protein structure and function are either unavailable or do not agree on the potential impact of this missense change (SIFT: "Deleterious"; PolyPhen-2: "Possibly Damaging"; Align-GVGD: "Class C0"). This variant has been observed in individual(s) with dilated cardiomyopathy (PMID: 30420677). ClinVar contains an entry for this variant (Variation ID: 519114). This variant is not present in population databases (ExAC no frequency).

Ambry Genetics
Classification: Uncertain significance for Cardiovascular phenotype. Last evaluated: 2021-02-10. Review status: criteria provided, single submitter. Criteria: Ambry Variant Classification Scheme 2023. Collection method: clinical testing. Allele origin: germline.
Comment: The p.A79D variant (also known as c.236C>A), located in coding exon 1 of the LMNA gene, results from a C to A substitution at nucleotide position 236. The alanine at codon 79 is replaced by aspartic acid, an amino acid with dissimilar properties. This variant has been detected in an individual reported to have dilated cardiomyopathy and 10.33% abnormal nuclei in fibroblast cultures (van Tienen FHJ et al. Eur J Hum Genet, 2019 03;27:389-399). This amino acid position is well conserved in available vertebrate species. In addition, the in silico prediction for this alteration is inconclusive. Since supporting evidence is limited at this time, the clinical significance of this alteration remains unclear.

Literature cited by the submitters: PubMed 30420677 (cited by 3 submitters); PubMed 32880476 (cited by All of Us Research Program, National Institutes of Health).

NM_170707.4(LMNA):c.236C>A (p.Ala79Asp)

Gene: LMNA (lamin A/C; plus strand). Cytogenetic location: 1q22.
Variant type: single nucleotide variant.
Coding change: c.236C>A on transcript NM_170707.4 (MANE Select); coding-DNA position 236, C replaced by A.
Protein change: p.Ala79Asp; replaces alanine 79 with aspartic acid.
Molecular consequence: missense variant.
Genome position (GRCh38, 1-based): chr1:156,115,154, C>A. VCF-style: chr1-156115154-C-A. GRCh37 (hg19) VCF-style: chr1-156084945-C-A.
Other names: c.236C>A, p.Ala79Asp (NM_001282625.2, NM_001282626.2, NM_005572.4 and 1 more transcripts); short protein forms A79D.
Identifiers: ClinVar variation 519114 (VCV000519114.13), dbSNP rs1553261972, ClinGen allele CA342808384.